The following is an entry in ClinVar:

NM_006949.4(STXBP2):c.542C>T (p.Ala181Val)

Gene: STXBP2 (syntaxin binding protein 2; plus strand). Cytogenetic location: 19p13.2.
Variant type: single nucleotide variant.
Coding change: c.542C>T on transcript NM_006949.4 (MANE Select); coding-DNA position 542, C replaced by T.
Protein change: p.Ala181Val; replaces alanine 181 with valine.
Molecular consequence: missense variant. On other transcripts: non-coding transcript variant (1).
Genome position (GRCh38, 1-based): chr19:7,641,817, C>T. VCF-style: chr19-7641817-C-T. GRCh37 (hg19) VCF-style: chr19-7706703-C-T.
Other names: c.533C>T, p.Ala178Val (NM_001127396.3); c.575C>T, p.Ala192Val (NM_001272034.2); short protein forms A178V, A181V, A192V.
Identifiers: ClinVar variation 1714302 (VCV001714302.6), dbSNP rs2512695684, ClinGen allele CA403158442.
Genomic context (GRCh38, chr19:7,641,817, plus strand): 5'-GGGCAGAGGAGCGCACGCGGCAGCTCGAGGTGCTGGCCCAGCAGATTGCCACGCTGTGCG[C>T]CACCCTGCAGGAGTACCCGGCCATCCGCTACCGCAAGTGGGGACCCCACCCAGCCCCACC-3'
Protein context (NP_008880.2, residues 171-191): VLAQQIATLC[Ala181Val]TLQEYPAIRY

ClinVar aggregate classification (germline): Uncertain significance (1 of 4 stars; one submission).

Conditions:
Familial hemophagocytic lymphohistiocytosis 5. Also called: STXBP2-Related Familial Hemophagocytic Lymphohistiocytosis (STXBP2-fHLH). Identifiers: Orphanet 540, MedGen C2751293, MONDO:0013135, OMIM 613101.

Submission:

Labcorp Genetics (formerly Invitae), Labcorp
Classification: Uncertain significance for Familial hemophagocytic lymphohistiocytosis 5. Last evaluated: 2022-07-30. Review status: criteria provided, single submitter. Criteria: Invitae Variant Classification Sherloc (09022015). Collection method: clinical testing. Allele origin: germline.
Comment: This sequence change replaces alanine, which is neutral and non-polar, with valine, which is neutral and non-polar, at codon 181 of the STXBP2 protein (p.Ala181Val). This variant is not present in population databases (gnomAD no frequency). This variant has not been reported in the literature in individuals affected with STXBP2-related conditions. Algorithms developed to predict the effect of missense changes on protein structure and function (SIFT, PolyPhen-2, Align-GVGD) all suggest that this variant is likely to be tolerated. Algorithms developed to predict the effect of sequence changes on RNA splicing suggest that this variant may create or strengthen a splice site. In summary, the available evidence is currently insufficient to determine the role of this variant in disease. Therefore, it has been classified as a Variant of Uncertain Significance.